The following is an entry in ClinVar:

NM_024675.4(PALB2):c.174G>C (p.Leu58Phe)

Gene: PALB2 (partner and localizer of BRCA2; minus strand). Cytogenetic location: 16p12.2.
Variant type: single nucleotide variant.
Coding change: c.174G>C on transcript NM_024675.4 (MANE Select); coding-DNA position 174, G replaced by C.
Protein change: p.Leu58Phe; replaces leucine 58 with phenylalanine.
Molecular consequence: missense variant.
Genome position (GRCh38, 1-based): chr16:23,637,887, C>G on the plus strand (G>C on the coding strand, the complement: PALB2 is on the minus strand). VCF-style: chr16-23637887-C-G. GRCh37 (hg19) VCF-style: chr16-23649208-C-G.
Other names: c.114G>C, p.Leu38Phe (NM_001407296.1); c.174G>C, p.Leu58Phe (NM_001407297.1, NM_001407298.1, NM_001407299.1 and 3 more transcripts); c.-712G>C (NM_001407304.1, NM_001407305.1, NM_001407306.1 and 5 more transcripts); short protein forms L58F, L38F.
Identifiers: ClinVar variation 1990714 (VCV001990714.4), dbSNP rs775243719, ClinGen allele CA7963830.

ClinVar aggregate classification (germline): Uncertain significance (1 of 4 stars; one submission).

Conditions:
Familial cancer of breast. Also called: hereditary breast carcinoma; Hereditary breast cancer; BREAST CANCER, FAMILIAL. Identifiers: Orphanet 227535, MedGen C0346153, MONDO:0016419, OMIM 114480. Disease mechanism: loss of function.

Allele frequency attached by ClinVar (database versions not stated): ExAC 0.00001.
gnomAD v4.1: 1 of 1,613,988 alleles (0.000062%); highest among the groups gnomAD compares: Non-Finnish European, 0.000085%; no homozygotes.

Submission:

Labcorp Genetics (formerly Invitae), Labcorp
Classification: Uncertain significance for Familial cancer of breast. Last evaluated: 2023-08-16. Review status: criteria provided, single submitter. Criteria: Invitae Variant Classification Sherloc (09022015). Collection method: clinical testing. Allele origin: germline.
Comment: This variant has not been reported in the literature in individuals affected with PALB2-related conditions. This sequence change replaces leucine, which is neutral and non-polar, with phenylalanine, which is neutral and non-polar, at codon 58 of the PALB2 protein (p.Leu58Phe). This variant is present in population databases (rs775243719, gnomAD 0.0009%). ClinVar contains an entry for this variant (Variation ID: 1990714). Algorithms developed to predict the effect of missense changes on protein structure and function output the following: SIFT: "Not Available"; PolyPhen-2: "Possibly Damaging"; Align-GVGD: "Not Available". The phenylalanine amino acid residue is found in multiple mammalian species, which suggests that this missense change does not adversely affect protein function. In summary, the available evidence is currently insufficient to determine the role of this variant in disease. Therefore, it has been classified as a Variant of Uncertain Significance.